The following is an entry in ClinVar:

ClinVar aggregate classification (germline): Uncertain significance (1 of 4 stars; one submission).

Submission:

GeneDx
Classification: Uncertain significance. Last evaluated: 2024-02-08. Review status: criteria provided, single submitter. Criteria: GeneDx Variant Classification Process June 2021. Collection method: clinical testing. Allele origin: germline. Affected: yes.
Comment: Not observed at significant frequency in large population cohorts (gnomAD); In silico analysis supports that this missense variant has a deleterious effect on protein structure/function; Has not been previously published as pathogenic or benign to our knowledge; This variant is associated with the following publications: (PMID: 24863639)

NM_014874.4(MFN2):c.504C>A (p.His168Gln)

Gene: MFN2 (mitofusin 2; plus strand). Cytogenetic location: 1p36.22.
Variant type: single nucleotide variant.
Coding change: c.504C>A on transcript NM_014874.4 (MANE Select); coding-DNA position 504, C replaced by A.
Protein change: p.His168Gln; replaces histidine 168 with glutamine.
Molecular consequence: missense variant.
Genome position (GRCh38, 1-based): chr1:11,997,326, C>A. VCF-style: chr1-11997326-C-A. GRCh37 (hg19) VCF-style: chr1-12057383-C-A.
Other names: c.504C>A, p.His168Gln (NM_001127660.2); short protein forms H168Q.
Identifiers: ClinVar variation 3368678 (VCV003368678.1).